The following is an entry in ClinVar:

ClinVar aggregate classification (germline): Uncertain significance (1 of 4 stars; one submission).

Conditions:
FGFR3-related disorder. Also called: FGFR3-related disorders.

Submission:

3billion
Classification: Uncertain significance for FGFR3-related disorder. Last evaluated: 2025-07-15. Review status: criteria provided, single submitter. Criteria: ACMG Guidelines, 2015. Collection method: clinical testing. Allele origin: germline. Affected: yes.
Comment: The variant is not observed in the gnomAD v4.1.0 dataset. Predicted Consequence/Location: Inframe insertion located in a nonrepeat region: predicted to change the length of the protein and disrupt normal protein function. Therefore, this variant is classified as VUS according to the recommendation of ACMG/AMP guideline.

NM_000142.5(FGFR3):c.816_839dup (p.Ser279_Asp280insGluPheHisCysLysValTyrSer)

Gene: FGFR3 (fibroblast growth factor receptor 3; plus strand). Cytogenetic location: 4p16.3.
Variant type: Duplication.
Coding change: c.816_839dup on transcript NM_000142.5 (MANE Select); coding-DNA positions 816 to 839, 24 bases duplicated (GTTCCACTGCAAGGTGTACAGTGA).
Protein change: p.Ser279_Asp280insGluPheHisCysLysValTyrSer.
Molecular consequence: inframe insertion. On other transcripts: non-coding transcript variant (1).
Genome position (GRCh38, 1-based): chr4:1,801,911-1,801,934, GTTCCACTGCAAGGTGTACAGTGA duplicated; duplicating any 24 consecutive bases within chr4:1,801,909-1,801,934 gives the same sequence; the c. name uses the placement nearest the transcript's 3' end. VCF-style (leftmost placement, unchanged base first): chr4-1801908-G-GGAGTTCCACTGCAAGGTGTACAGT. GRCh37 (hg19) VCF-style: chr4-1803635-G-GGAGTTCCACTGCAAGGTGTACAGT.
Other names: c.816_839dup, p.Ser279_Asp280insGluPheHisCysLysValTyrSer (NM_001163213.2, NM_001354809.2, NM_001354810.2 and 1 more transcripts).
Identifiers: ClinVar variation 4855700 (VCV004855700.1).